The following is an entry in ClinVar:

NM_000271.5(NPC1):c.281T>C (p.Leu94Pro)

Gene: NPC1 (NPC intracellular cholesterol transporter 1; minus strand). Cytogenetic location: 18q11.2.
Variant type: single nucleotide variant.
Coding change: c.281T>C on transcript NM_000271.5 (MANE Select); coding-DNA position 281, T replaced by C.
Protein change: p.Leu94Pro; replaces leucine 94 with proline.
Molecular consequence: missense variant.
Genome position (GRCh38, 1-based): chr18:23,572,080, A>G on the plus strand (T>C on the coding strand, the complement: NPC1 is on the minus strand). VCF-style: chr18-23572080-A-G. GRCh37 (hg19) VCF-style: chr18-21152044-A-G.
Other names: short protein forms L94P.
Identifiers: ClinVar variation 5005871 (VCV005005871.2).

ClinVar aggregate classification (germline): Uncertain significance (1 of 4 stars; one submission).

Conditions:
Niemann-Pick disease, type C1. Also called: NEUROVISCERAL STORAGE DISEASE WITH VERTICAL SUPRANUCLEAR OPHTHALMOPLEGIA; NIEMANN-PICK DISEASE WITH CHOLESTEROL ESTERIFICATION BLOCK; NIEMANN-PICK DISEASE WITHOUT SPHINGOMYELINASE DEFICIENCY; NIEMANN-PICK DISEASE, CHRONIC NEURONOPATHIC FORM; NIEMANN-PICK DISEASE, VARIANT TYPE C1. Identifiers: Orphanet 646, MedGen C3179455, MONDO:0009757, OMIM 257220.

Submission:

Juno Genomics, Hangzhou Juno Genomics, Inc
Classification: Uncertain significance for Niemann-Pick disease, type C1. Review status: criteria provided, single submitter. Criteria: ACMG Guidelines, 2015. Collection method: clinical testing. Allele origin: germline.
Comment: Absent from controls (or at extremely low frequency if recessive) in Genome Aggregation Database.;Multiple lines of computational evidence support a deleterious effect on the gene or gene product.